The following is an entry in ClinVar:

ClinVar aggregate classification (germline): Likely benign. Review status: criteria provided, multiple submitters, no conflicts (2 of 4 stars). 3 submissions from 3 submitters: Likely benign (2). 1 of the submissions does not count toward it. Last evaluated 2025-12-18.

Conditions:
KIZ-related disorder. Also called: KIZ-related condition.

Allele frequency attached by ClinVar (database versions not stated): TOPMed 0.00003; gnomAD 0.00012; gnomAD exomes 0.00017 and 0.00035; 1000 Genomes Project 0.00020; 1000 Genomes Project 30x 0.00078; ExAC 0.00082.
gnomAD v4.1: 241 of 1,464,400 alleles (0.016%); highest among the groups gnomAD compares: South Asian, 0.29%; 4 homozygotes.

Submissions (3):

Labcorp Genetics (formerly Invitae), Labcorp
Classification: Likely benign. Last evaluated: 2025-12-18. Review status: criteria provided, single submitter. Criteria: Invitae Variant Classification Sherloc (09022015). Collection method: clinical testing. Allele origin: germline.

Blueprint Genetics
Classification: Likely benign. Last evaluated: 2024-11-07. Review status: criteria provided, single submitter. Criteria: ACMG Guidelines, 2015. Collection method: clinical testing. Allele origin: germline.

PreventionGenetics, part of Exact Sciences
Classification: Likely benign for KIZ-related condition. Last evaluated: 2024-08-27. Review status: no assertion criteria provided. Collection method: clinical testing. Allele origin: germline. Not counted in ClinVar's aggregate classification.
Comment: This variant is classified as likely benign based on ACMG/AMP sequence variant interpretation guidelines (Richards et al. 2015 PMID: 25741868, with internal and published modifications).

NM_018474.6(KIZ):c.142G>C (p.Asp48His)

Gene: KIZ (kizuna centrosomal protein; plus strand). Cytogenetic location: 20p11.23.
Variant type: single nucleotide variant.
Coding change: c.142G>C on transcript NM_018474.6 (MANE Select); coding-DNA position 142, G replaced by C.
Protein change: p.Asp48His; replaces aspartic acid 48 with histidine.
Molecular consequence: missense variant. On other transcripts: 5 prime UTR variant (4), intron variant (1).
Genome position (GRCh38, 1-based): chr20:21,132,149, G>C. VCF-style: chr20-21132149-G-C. GRCh37 (hg19) VCF-style: chr20-21112790-G-C.
Other names: c.-5G>C (NM_001163022.3, NM_001163023.3, NM_001352435.2); c.142G>C, p.Asp48His (NM_001352434.2); c.-245G>C (NM_001352436.2); c.168+5945G>C (NM_001276389.2); c.142G>C (NM_018474.5); short protein forms D48H.
Identifiers: ClinVar variation 1132465 (VCV001132465.11), dbSNP rs372330535, ClinGen allele CA9784591.